The following is an entry in ClinVar:

NM_018089.3(ANKZF1):c.745C>T (p.Arg249Trp)

Gene: ANKZF1 (ankyrin repeat and zinc finger peptidyl tRNA hydrolase 1; plus strand). Cytogenetic location: 2q35.
Variant type: single nucleotide variant.
Coding change: c.745C>T on transcript NM_018089.3 (MANE Select); coding-DNA position 745, C replaced by T.
Protein change: p.Arg249Trp; replaces arginine 249 with tryptophan.
Molecular consequence: missense variant.
Genome position (GRCh38, 1-based): chr2:219,233,359, C>T. VCF-style: chr2-219233359-C-T. GRCh37 (hg19) VCF-style: chr2-220098081-C-T.
Other names: c.745C>T, p.Arg249Trp (NM_001042410.2); c.115C>T, p.Arg39Trp (NM_001282792.2); short protein forms R249W, R39W.
Identifiers: ClinVar variation 2848833 (VCV002848833.3), dbSNP rs746691751, ClinGen allele CA2120850.

ClinVar aggregate classification (germline): Uncertain significance (1 of 4 stars; one submission).

Allele frequency attached by ClinVar (database versions not stated): ExAC 0.00007; gnomAD 0.00002; gnomAD exomes 0.00003.

Submission:

Labcorp Genetics (formerly Invitae), Labcorp
Classification: Uncertain significance. Last evaluated: 2025-05-28. Review status: criteria provided, single submitter. Criteria: Invitae Variant Classification Sherloc (09022015). Collection method: clinical testing. Allele origin: germline.
Comment: This sequence change replaces arginine, which is basic and polar, with tryptophan, which is neutral and slightly polar, at codon 249 of the ANKZF1 protein (p.Arg249Trp). This variant is present in population databases (rs746691751, gnomAD 0.03%). This variant has not been reported in the literature in individuals affected with ANKZF1-related conditions. ClinVar contains an entry for this variant (Variation ID: 2848833). An algorithm developed to predict the effect of missense changes on protein structure and function (PolyPhen-2) suggests that this variant is likely to be tolerated. In summary, the available evidence is currently insufficient to determine the role of this variant in disease. Therefore, it has been classified as a Variant of Uncertain Significance.